The following is an entry in ClinVar:

NM_003072.5(SMARCA4):c.2911G>A (p.Val971Met)

Gene: SMARCA4 (SWI/SNF related BAF chromatin remodeling complex subunit ATPase 4; plus strand). Cytogenetic location: 19p13.2.
Variant type: single nucleotide variant.
Coding change: c.2911G>A on transcript NM_003072.5 (MANE Select); coding-DNA position 2911, G replaced by A.
Protein change: p.Val971Met; replaces valine 971 with methionine.
Molecular consequence: missense variant. On other transcripts: non-coding transcript variant (1).
Genome position (GRCh38, 1-based): chr19:11,023,569, G>A. VCF-style: chr19-11023569-G-A. GRCh37 (hg19) VCF-style: chr19-11134245-G-A.
Other names: c.2911G>A, p.Val971Met (NM_001128844.3, NM_001128845.2, NM_001128846.2 and 4 more transcripts); short protein forms V971M.
Identifiers: ClinVar variation 841534 (VCV000841534.10), dbSNP rs2090026904, ClinGen allele CA404057576.

ClinVar aggregate classification (germline): Uncertain significance (1 of 4 stars; one submission).

Conditions:
Rhabdoid tumor predisposition syndrome 2 (RTPS2). Identifiers: Orphanet 231108, Orphanet 69077, MedGen C2750074, MONDO:0013224, OMIM 613325.

Submission:

Labcorp Genetics (formerly Invitae), Labcorp
Classification: Uncertain significance for Rhabdoid tumor predisposition syndrome 2. Last evaluated: 2019-12-19. Review status: criteria provided, single submitter. Criteria: Invitae Variant Classification Sherloc (09022015). Collection method: clinical testing. Allele origin: germline.
Comment: In summary, the available evidence is currently insufficient to determine the role of this variant in disease. Therefore, it has been classified as a Variant of Uncertain Significance. Algorithms developed to predict the effect of missense changes on protein structure and function are either unavailable or do not agree on the potential impact of this missense change (SIFT: "Deleterious"; PolyPhen-2: "Probably Damaging"; Align-GVGD: "Class C0"). This variant has not been reported in the literature in individuals with SMARCA4-related conditions. This variant is not present in population databases (ExAC no frequency). This sequence change replaces valine with methionine at codon 971 of the SMARCA4 protein (p.Val971Met). The valine residue is highly conserved and there is a small physicochemical difference between valine and methionine.